The following is an entry in ClinVar:

NM_001122630.2(CDKN1C):c.510_545dup (p.Pro183_Val184insAlaProAlaProAlaProAlaProAlaProAlaPro)

Gene: CDKN1C (cyclin dependent kinase inhibitor 1C; minus strand). Cytogenetic location: 11p15.4.
Variant type: Duplication.
Coding change: c.510_545dup on transcript NM_001122630.2 (MANE Select); coding-DNA positions 510 to 545, 36 bases duplicated.
Protein change: p.Pro183_Val184insAlaProAlaProAlaProAlaProAlaProAlaPro.
Molecular consequence: inframe insertion. On other transcripts: intron variant (1).
Genome position (GRCh38, 1-based): chr11:2,884,912-2,884,947, 36 bases duplicated; duplicating any 36 consecutive bases within chr11:2,884,912-2,884,956 gives the same sequence; the c. name uses the placement nearest the transcript's 3' end. GRCh37 (hg19): chr11:2,906,151-2,906,186.
Other names: c.543_578dup, p.Pro194_Val195insAlaProAlaProAlaProAlaProAlaProAlaPro (NM_000076.2, NM_001362474.2); c.510_545dup, p.Pro183_Val184insAlaProAlaProAlaProAlaProAlaProAlaPro (NM_001122631.2); c.255+255_255+290dup (NM_001362475.2).
Identifiers: ClinVar variation 2885873 (VCV002885873.3), dbSNP rs2494386464, ClinGen allele CA2739276083.

ClinVar aggregate classification (germline): Uncertain significance (1 of 4 stars; one submission).

Conditions:
Beckwith-Wiedemann syndrome (BWS). Also called: Exomphalos macroglossia gigantism syndrome; EMG SYNDROME. Identifiers: Orphanet 116, MedGen C0004903, MONDO:0007534, OMIM 130650.

Submission:

Labcorp Genetics (formerly Invitae), Labcorp
Classification: Uncertain significance for Beckwith-Wiedemann syndrome. Last evaluated: 2023-11-02. Review status: criteria provided, single submitter. Criteria: Invitae Variant Classification Sherloc (09022015). Collection method: clinical testing. Allele origin: germline.
Comment: This variant, c.543_578dup, results in the insertion of 12 amino acid(s) of the CDKN1C protein (p.Ala183_Pro194dup), but otherwise preserves the integrity of the reading frame. The frequency data for this variant in the population databases is considered unreliable, as metrics indicate insufficient coverage at this position in the gnomAD database. This variant has not been reported in the literature in individuals affected with CDKN1C-related conditions. In summary, the available evidence is currently insufficient to determine the role of this variant in disease. Therefore, it has been classified as a Variant of Uncertain Significance.